The following is an entry in ClinVar:

ClinVar aggregate classification (germline): Benign/Likely benign. Review status: criteria provided, multiple submitters, no conflicts (2 of 4 stars). 5 submissions from 5 submitters: Benign (1); Likely benign (4). Last evaluated 2026-01-24.

Conditions:
Hereditary cancer-predisposing syndrome. Also called: Hereditary Cancer Syndrome; Hereditary neoplastic syndrome; Neoplastic Syndromes, Hereditary; Tumor predisposition. Identifiers: Orphanet 140162, MedGen C0027672, MeSH D009386, MONDO:0015356.
Peutz-Jeghers syndrome (PJS). Also called: POLYPOSIS, HAMARTOMATOUS INTESTINAL; POLYPS-AND-SPOTS SYNDROME; Peutz-Jeghers polyposis; Periorificial lentiginosis syndrome. Identifiers: Orphanet 2869, MedGen C0031269, MeSH D010580, MONDO:0008280, OMIM 175200.

Submissions (5):

Labcorp Genetics (formerly Invitae), Labcorp
Classification: Likely benign for Peutz-Jeghers syndrome. Last evaluated: 2026-01-24. Review status: criteria provided, single submitter. Criteria: Invitae Variant Classification Sherloc (09022015). Collection method: clinical testing. Allele origin: germline.

Women's Health and Genetics/Laboratory Corporation of America, LabCorp
Classification: Likely benign. Last evaluated: 2025-12-17. Review status: criteria provided, single submitter. Criteria: LabCorp Variant Classification Summary - May 2015. Collection method: clinical testing. Allele origin: germline.

Myriad Genetics, Inc.
Classification: Benign for Peutz-Jeghers syndrome. Last evaluated: 2025-03-28. Review status: criteria provided, single submitter. Criteria: Myriad Autosomal Dominant, Autosomal Recessive and X-Linked Classification Criteria (2023). Collection method: clinical testing. Allele origin: unknown.
Comment: This variant is considered benign. This variant is a silent/synonymous amino acid change and it is not expected to impact splicing.

Genetic Services Laboratory, University of Chicago
Classification: Likely benign. Last evaluated: 2020-12-03. Review status: criteria provided, single submitter. Criteria: ACMG Guidelines, 2015. Collection method: clinical testing. Allele origin: germline. Affected: no.

Ambry Genetics
Classification: Likely benign for Hereditary cancer-predisposing syndrome. Last evaluated: 2020-10-25. Review status: criteria provided, single submitter. Criteria: Ambry Variant Classification Scheme 2023. Collection method: clinical testing. Allele origin: germline.

NM_000455.5(STK11):c.1149C>T (p.Arg383=)

Gene: STK11 (serine/threonine kinase 11; plus strand). Cytogenetic location: 19p13.3.
Variant type: single nucleotide variant.
Coding change: c.1149C>T on transcript NM_000455.5 (MANE Select); coding-DNA position 1149, C replaced by T.
Protein change: p.Arg383=; no amino-acid change (arginine 383 retained).
Molecular consequence: synonymous variant.
Genome position (GRCh38, 1-based): chr19:1,226,494, C>T. VCF-style: chr19-1226494-C-T. GRCh37 (hg19) VCF-style: chr19-1226493-C-T.
Identifiers: ClinVar variation 1337784 (VCV001337784.11), dbSNP rs2145435963, ClinGen allele CA504708420.
Genomic context (GRCh38, chr19:1,226,494, plus strand): 5'-ACTTGCCGTCTCCCTCCCAGGACAGGTCCCAGAAGAGGAGGCCAGTCACAATGGACAGCG[C>T]CGGGGCCTCCCCAAGGCCGTGTGTATGAACGGCACAGAGGCGGCGCAGCTGAGCACCAAA-3'
Protein context (NP_000446.1, residues 373-393): PEEEASHNGQ[Arg383=]RGLPKAVCMN